The following is an entry in ClinVar:

ClinVar aggregate classification (germline): Conflicting classifications of pathogenicity. Review status: criteria provided, conflicting classifications (1 of 4 stars). 4 submissions from 4 submitters: Uncertain significance (1); Likely benign (1). 2 of the submissions do not count toward it. Last evaluated 2025-10-12.

Conditions:
PKHD1-related disorder. Also called: PKHD1-related condition.
Autosomal recessive polycystic kidney disease (ARPKD). Also called: AR polycystic kidney disease. Identifiers: Orphanet 731, Orphanet 8378, MedGen C0085548, MeSH D017044, MONDO:0009889.

Allele frequency attached by ClinVar (database versions not stated): gnomAD exomes 0.00001 and 0.00003; ExAC 0.00002; gnomAD 0.00002 and 0.00004; TOPMed 0.00006.
gnomAD v4.1: 46 of 1,605,834 alleles (0.0029%); highest among the groups gnomAD compares: Non-Finnish European, 0.0037%; no homozygotes.

Submissions (4):

Labcorp Genetics (formerly Invitae), Labcorp
Classification: Likely benign for Autosomal recessive polycystic kidney disease. Last evaluated: 2025-10-12. Review status: criteria provided, single submitter. Criteria: Invitae Variant Classification Sherloc (09022015). Collection method: clinical testing. Allele origin: germline.

Eurofins Ntd Llc (ga)
Classification: Uncertain significance. Last evaluated: 2016-12-12. Review status: criteria provided, single submitter. Criteria: EGL Classification Definitions 2015. Collection method: clinical testing. Allele origin: germline. Observed: 1 variant allele, 1 heterozygote.

PreventionGenetics, part of Exact Sciences
Classification: Likely benign for PKHD1-related condition. Last evaluated: 2021-04-01. Review status: no assertion criteria provided. Collection method: clinical testing. Allele origin: germline. Not counted in ClinVar's aggregate classification.
Comment: This variant is classified as likely benign based on ACMG/AMP sequence variant interpretation guidelines (Richards et al. 2015 PMID: 25741868, with internal and published modifications).

Natera, Inc.
Classification: Likely benign for Autosomal recessive polycystic kidney disease. Last evaluated: 2020-09-16. Review status: no assertion criteria provided. Collection method: clinical testing. Allele origin: germline. Not counted in ClinVar's aggregate classification.

NM_138694.4(PKHD1):c.624T>C (p.His208=)

Gene: PKHD1 (PKHD1 ciliary IPT domain containing fibrocystin/polyductin; minus strand). Cytogenetic location: 6p12.2.
Variant type: single nucleotide variant.
Coding change: c.624T>C on transcript NM_138694.4 (MANE Select); coding-DNA position 624, T replaced by C.
Protein change: p.His208=; no amino-acid change (histidine 208 retained).
Molecular consequence: synonymous variant.
Genome position (GRCh38, 1-based): chr6:52,071,049, A>G on the plus strand (T>C on the coding strand, the complement: PKHD1 is on the minus strand). VCF-style: chr6-52071049-A-G. GRCh37 (hg19) VCF-style: chr6-51935847-A-G.
Other names: c.624T>C, p.His208= (NM_170724.3).
Identifiers: ClinVar variation 498479 (VCV000498479.18), dbSNP rs767511678, ClinGen allele CA3853840.